The following is an entry in ClinVar:

ClinVar aggregate classification (germline): Uncertain significance (1 of 4 stars; one submission).

Allele frequency attached by ClinVar (database versions not stated): ExAC 0.00001; gnomAD 0.00001; TOPMed 0.00001; gnomAD exomes 0.00002.
gnomAD v4.1: 31 of 1,614,014 alleles (0.0019%); highest among the groups gnomAD compares: African/African-American, 0.0013%; no homozygotes.

Submission:

Labcorp Genetics (formerly Invitae), Labcorp
Classification: Uncertain significance. Last evaluated: 2021-12-02. Review status: criteria provided, single submitter. Criteria: Invitae Variant Classification Sherloc (09022015). Collection method: clinical testing. Allele origin: germline.
Comment: This sequence change replaces glutamic acid, which is acidic and polar, with glycine, which is neutral and non-polar, at codon 631 of the ZNF335 protein (p.Glu631Gly). This variant is present in population databases (rs747262701, gnomAD 0.06%). This variant has not been reported in the literature in individuals affected with ZNF335-related conditions. Algorithms developed to predict the effect of missense changes on protein structure and function are either unavailable or do not agree on the potential impact of this missense change (SIFT: "Deleterious"; PolyPhen-2: "Benign"; Align-GVGD: "Class C65"). In summary, the available evidence is currently insufficient to determine the role of this variant in disease. Therefore, it has been classified as a Variant of Uncertain Significance.

NM_022095.4(ZNF335):c.1892A>G (p.Glu631Gly)

Gene: ZNF335 (zinc finger protein 335; minus strand). Cytogenetic location: 20q13.12.
Variant type: single nucleotide variant.
Coding change: c.1892A>G on transcript NM_022095.4 (MANE Select); coding-DNA position 1892, A replaced by G.
Protein change: p.Glu631Gly; replaces glutamic acid 631 with glycine.
Molecular consequence: missense variant.
Genome position (GRCh38, 1-based): chr20:45,960,336, T>C on the plus strand (A>G on the coding strand, the complement: ZNF335 is on the minus strand). VCF-style: chr20-45960336-T-C. GRCh37 (hg19) VCF-style: chr20-44588975-T-C.
Other names: short protein forms E631G.
Identifiers: ClinVar variation 1350436 (VCV001350436.5), dbSNP rs747262701, ClinGen allele CA9885550.